The following is an entry in ClinVar:

NM_015192.4(PLCB1):c.29C>T (p.Ala10Val)

Gene: PLCB1 (phospholipase C beta 1; plus strand). Cytogenetic location: 20p12.3.
Variant type: single nucleotide variant.
Coding change: c.29C>T on transcript NM_015192.4 (MANE Select); coding-DNA position 29, C replaced by T.
Protein change: p.Ala10Val; replaces alanine 10 with valine.
Molecular consequence: missense variant.
Genome position (GRCh38, 1-based): chr20:8,132,680, C>T. VCF-style: chr20-8132680-C-T. GRCh37 (hg19) VCF-style: chr20-8113327-C-T.
Other names: c.29C>T, p.Ala10Val (NM_182734.3); short protein forms A10V.
Identifiers: ClinVar variation 1441094 (VCV001441094.6), dbSNP rs1568564198, ClinGen allele CA408260853.

ClinVar aggregate classification (germline): Uncertain significance (1 of 4 stars; one submission).

Conditions:
Developmental and epileptic encephalopathy, 12 (DEE12). Identifiers: MedGen C3150988, MONDO:0013389, OMIM 613722.

Submission:

Labcorp Genetics (formerly Invitae), Labcorp
Classification: Uncertain significance for Developmental and epileptic encephalopathy, 12. Last evaluated: 2021-07-31. Review status: criteria provided, single submitter. Criteria: Invitae Variant Classification Sherloc (09022015). Collection method: clinical testing. Allele origin: germline.
Comment: In summary, the available evidence is currently insufficient to determine the role of this variant in disease. Therefore, it has been classified as a Variant of Uncertain Significance. Algorithms developed to predict the effect of missense changes on protein structure and function (SIFT, PolyPhen-2, Align-GVGD) all suggest that this variant is likely to be tolerated. This variant has not been reported in the literature in individuals affected with PLCB1-related conditions. This variant is not present in population databases (ExAC no frequency). This sequence change replaces alanine with valine at codon 10 of the PLCB1 protein (p.Ala10Val). The alanine residue is weakly conserved and there is a small physicochemical difference between alanine and valine.